The following is an entry in ClinVar:

ClinVar aggregate classification (germline): Likely pathogenic. Review status: criteria provided, multiple submitters, no conflicts (2 of 4 stars). 6 submissions from 6 submitters: Likely pathogenic (5). 1 of the submissions does not count toward it. Last evaluated 2025-08-01.

Conditions:
Polycystic kidney disease 4 (PKD4). Also called: POLYCYSTIC KIDNEY AND HEPATIC DISEASE 1; POLYCYSTIC KIDNEY DISEASE, INFANTILE, TYPE I; POLYCYSTIC KIDNEY DISEASE 4 WITH OR WITHOUT POLYCYSTIC LIVER DISEASE; Autosomal Recessive Polycystic Kidney Disease – PKHD1; PKD3. Identifiers: MedGen C4540575, MONDO:0033004, OMIM 263200.
Autosomal recessive polycystic kidney disease (ARPKD). Also called: AR polycystic kidney disease. Identifiers: Orphanet 731, Orphanet 8378, MedGen C0085548, MeSH D017044, MONDO:0009889.
PKHD1-related disorder. Also called: PKHD1-related condition.

Submissions (6):

Natera, Inc.
Classification: Likely pathogenic for Autosomal recessive polycystic kidney disease. Last evaluated: 2025-08-01. Review status: criteria provided, single submitter. Criteria: Natera Variant Classification Schema (03/2026). Collection method: clinical testing. Allele origin: germline.
Comment: The c.8764_8765delAG variant in PKHD1 is a frameshift variant predicted to shift the reading frame beginning at codon 2922 and leads to a stop codon 3 codons downstream. This variant is expected to result in nonsense mediated decay, truncation, or a dysfunctional protein product. This variant is rare in the general population with a frequency below the threshold expected for the associated phenotype(s). Given the available evidence, this variant is classified as Likely Pathogenic.

Fulgent Genetics
Classification: Likely pathogenic for Polycystic kidney disease 4. Last evaluated: 2024-06-08. Review status: criteria provided, single submitter. Criteria: ACMG Guidelines, 2015. Collection method: clinical testing. Allele origin: germline.

Revvity Omics, Revvity
Classification: Likely pathogenic for Polycystic kidney disease 4. Last evaluated: 2023-12-22. Review status: criteria provided, single submitter. Criteria: ACMG Guidelines, 2015. Collection method: clinical testing. Allele origin: germline.

Baylor Genetics
Classification: Likely pathogenic for Polycystic kidney disease 4. Last evaluated: 2023-03-25. Review status: criteria provided, single submitter. Criteria: ACMG Guidelines, 2015. Collection method: clinical testing. Allele origin: unknown.

Blueprint Genetics
Classification: Likely pathogenic for PKHD1-related disorders. Last evaluated: 2021-05-12. Review status: criteria provided, single submitter. Criteria: ACMG Guidelines, 2015. Collection method: clinical testing. Allele origin: germline. Affected: yes. Observed: 1 variant allele.

Counsyl
Classification: Likely pathogenic for Polycystic kidney disease 4. Last evaluated: 2016-02-12. Review status: no assertion criteria provided. Collection method: clinical testing. Allele origin: unknown. Not counted in ClinVar's aggregate classification.

NM_138694.4(PKHD1):c.8764_8765del (p.Arg2922fs)

Gene: PKHD1 (PKHD1 ciliary IPT domain containing fibrocystin/polyductin; minus strand). Cytogenetic location: 6p12.3.
Variant type: Deletion.
Coding change: c.8764_8765del on transcript NM_138694.4 (MANE Select); coding-DNA positions 8764 to 8765, 2 bases deleted (AG; older notation c.8764_8765delAG).
Protein change: p.Arg2922fs; shifts the reading frame from arginine 2922.
Molecular consequence: frameshift variant.
Genome position (GRCh38, 1-based): chr6:51,754,816-51,754,817, CT deleted on the plus strand (AG on the coding strand, the reverse complement: PKHD1 is on the minus strand); deleting any 2 consecutive bases within chr6:51,754,816-51,754,818 gives the same sequence; the c. name uses the placement nearest the transcript's 3' end. VCF-style (leftmost placement, unchanged base first): chr6-51754815-CCT-C. GRCh37 (hg19) VCF-style: chr6-51619613-CCT-C.
Other names: c.8764_8765del, p.Arg2922fs (NM_170724.3); short protein forms R2922fs.
Identifiers: ClinVar variation 370457 (VCV000370457.8), dbSNP rs749768205, ClinGen allele CA3851539.